The following is an entry in ClinVar:

ClinVar aggregate classification (germline): Likely benign (1 of 4 stars; one submission).

Conditions:
PKD1-related disorder. Also called: PKD1-related condition.

Submission:

PreventionGenetics, part of Exact Sciences
Classification: Likely benign for PKD1-related condition. Last evaluated: 2026-02-24. Review status: criteria provided, single submitter. Criteria: ACMG Guidelines, 2015. Collection method: clinical testing. Allele origin: germline.
Comment: This variant is classified as likely benign based on ACMG/AMP sequence variant interpretation guidelines (Richards et al. 2015 PMID: 25741868, with internal and published modifications).

NM_001009944.3(PKD1):c.7764G>A (p.Leu2588=)

Gene: PKD1 (polycystin 1, transient receptor potential channel interacting; minus strand). Cytogenetic location: 16p13.3.
Variant type: single nucleotide variant.
Coding change: c.7764G>A on transcript NM_001009944.3 (MANE Select); coding-DNA position 7764, G replaced by A.
Protein change: p.Leu2588=; no amino-acid change (leucine 2588 retained).
Molecular consequence: synonymous variant.
Genome position (GRCh38, 1-based): chr16:2,105,964, C>T on the plus strand (G>A on the coding strand, the complement: PKD1 is on the minus strand). VCF-style: chr16-2105964-C-T. GRCh37 (hg19) VCF-style: chr16-2155965-C-T.
Other names: c.7764G>A, p.Leu2588= (NM_000296.4).
Identifiers: ClinVar variation 4991251 (VCV004991251.1).